The following continues an entry in ClinVar:

NM_007294.4(BRCA1):c.181T>G (p.Cys61Gly)

Gene: BRCA1. ClinVar aggregate classification (germline): Pathogenic. Pathogenic (1).

Submissions 23 to 38 of 77:

Department of Genomics, ADN Uruguay
Classification: Pathogenic for Hereditary breast ovarian cancer syndrome. Last evaluated: 2024-06-27. Review status: criteria provided, single submitter. Criteria: Assertion Criteria Germline. Collection method: clinical testing. Allele origin: germline. Inheritance: Autosomal dominant inheritance. Affected: yes. Observed: 1 variant allele. Not counted in ClinVar's aggregate classification.
Comment: This missense variant in BRCA1 (c.181T>G, p.Cys61Gly) disrupts a critical zinc-binding residue in the RING domain essential for ubiquitin ligase activity. Functional studies demonstrate loss of BRCA1-mediated DNA repair (PMID:26381082;PMID:20103620). The variant is rare in population databases (PM2) and has been widely reported in hereditary breast, ovarian, and related cancers (PS4). Classified as Pathogenic according to ACMG/AMP guidelines.

ARUP Laboratories, Molecular Genetics and Genomics, ARUP Laboratories
Classification: Pathogenic. Last evaluated: 2024-06-09. Review status: criteria provided, single submitter. Criteria: ARUP Molecular Germline Variant Investigation Process 2024. Collection method: clinical testing. Allele origin: germline. Not counted in ClinVar's aggregate classification.
Comment: The BRCA1 c.181T>G; p.Cys61Gly variant (rs28897672) has been reported in individuals with breast or ovarian cancers (Friedman 1994, Zhang 2011). Additionally, other variants at this codon (p.Cys61Arg, p.Cys61Tyr) have been reported in families with breast and ovarian cancer and are considered pathogenic (Abkevich 2004, Al-Mulla 2009). The p.Cys61Gly variant is reported as pathogenic by multiple laboratories in ClinVar (Variation ID: 17661), and it is found in the general population with an overall allele frequency of 0.003% (8/250,754 alleles) in the Genome Aggregation Database. Computational analyses predict that this variant is deleterious (REVEL: 0.948). BRCA1 protein containing the p.Cys61Gly variant fails to homodimerize (Brzovic 1998), fails to protect the cell from radiation hypersensitivity (Ruffner 2001), and does not mediate homologous recombination repair upon DNA damage (Ransburgh 2010). Based on available information, the p.Cys61Gly variant is classified as pathogenic. References: Abkevich V et al. Analysis of missense variation in human BRCA1 in the context of interspecific sequence variation. J Med Genet. 2004; 41(7):492-507. PMID: 15235020. Al-Mulla F et al. Age-dependent penetrance of different germline mutations in the BRCA1 gene. J Clin Pathol. 2009;62(4):350-6. PMID: 19329713. Brzovic P et al. The cancer-predisposing mutation C61G disrupts homodimer formation in the NH2-terminal BRCA1 RING finger domain. J Biol Chem. 1998; 273(14):7795-9. PMID: 9525870. Friedman L et al. Confirmation of BRCA1 by analysis of germline mutations linked to breast and ovarian cancer in ten families. Nat Genet. 1994; 8(4):399-404. PMID: 7894493. Ransburgh D et al. Identification of breast tumor mutations in BRCA1 that abolish its function in homologous DNA recombination. Cancer Res. 2010; 70(3):988-95. PMID: 20103620. Ruffner H et al. Cancer-predisposing mutations within the RING domain of BRCA1: loss of ubiquitin protein ligase activity and protection from radiation hypersensitivity. Proc Natl Acad Sci U S A. 2001; 98(9):5134-9. PMID: 11320250. Zhang S et al. Frequencies of BRCA1 and BRCA2 mutations among 1,342 unselected patients with invasive ovarian cancer. Gynecol Oncol. 2011; 121(2):353-7. PMID: 21324516.

Department of Clinical Genetics, Copenhagen University Hospital, Rigshospitalet
Classification: Pathogenic for Breast-ovarian cancer, familial, susceptibility to, 1. Last evaluated: 2024-05-27. Review status: criteria provided, single submitter. Criteria: ACMG Guidelines, 2015. Collection method: clinical testing. Allele origin: germline. Affected: yes. Not counted in ClinVar's aggregate classification.
Comment: PP3; PS3; PP1_Strong; Expert panel

Mayo Clinic Laboratories, Mayo Clinic
Classification: Pathogenic. Last evaluated: 2024-04-30. Review status: criteria provided, single submitter. Criteria: ACMG Guidelines, 2015. Collection method: clinical testing. Allele origin: germline. Not counted in ClinVar's aggregate classification.
Comment: PP1_very_strong, PP3, PP4_very_strong, PS3

Fulgent Genetics
Classification: Pathogenic for Breast-ovarian cancer, familial, susceptibility to, 1; Pancreatic cancer, susceptibility to, 4; Fanconi anemia, complementation group S. Last evaluated: 2024-04-22. Review status: criteria provided, single submitter. Criteria: ACMG Guidelines, 2015. Collection method: clinical testing. Allele origin: germline. Not counted in ClinVar's aggregate classification.

Baylor Genetics
Classification: Pathogenic for Breast-ovarian cancer, familial, susceptibility to, 1. Last evaluated: 2024-03-21. Review status: criteria provided, single submitter. Criteria: ACMG Guidelines, 2015. Collection method: clinical testing. Allele origin: unknown. Not counted in ClinVar's aggregate classification.

Clinical Genetics Laboratory, Skane University Hospital Lund
Classification: Pathogenic. Last evaluated: 2024-03-04. Review status: criteria provided, single submitter. Criteria: ACMG Guidelines, 2015. Collection method: clinical testing. Allele origin: germline. Affected: yes. Not counted in ClinVar's aggregate classification.

Quest Diagnostics Nichols Institute San Juan Capistrano
Classification: Pathogenic. Last evaluated: 2023-05-03. Review status: criteria provided, single submitter. Criteria: Quest Diagnostics criteria. Collection method: clinical testing. Allele origin: unknown. Not counted in ClinVar's aggregate classification.
Comment: The frequency of this variant in the general population, 0.000062 (7/113480 chromosomes), is uninformative in assessment of its pathogenicity. In the published literature, the variant has been reported in individuals with hereditary breast and/or ovarian cancer (PMIDs: 35464868 (2022), 33507482 (2021), 33484353 (2021), 32885271 (2021), 32854451 (2020), 32719484 (2020), 32341426 (2020), 31347298 (2019), 31090900 (2019), 29492181 (2018)). Functional studies report the variant is damaging to proper BRCA1 function (PMIDs: 33087888 (2021), 30209399 (2018), 27272900 (2016), 25823446 (2015), 23867111 (2013), 20103620 (2010), 15569676 (2005), 11320250 (2001). Based on the available information, this variant is classified as pathogenic.

Centre for Mendelian Genomics, University Medical Centre Ljubljana
Classification: Pathogenic for Breast-ovarian cancer, familial, susceptibility to, 1. Last evaluated: 2022-12-09. Review status: criteria provided, single submitter. Criteria: ACMG Guidelines, 2015. Collection method: research. Allele origin: germline. Affected: no. Not counted in ClinVar's aggregate classification.
Comment: PS3, PS4_STR, PM5_STR, PP1

Institute of Human Genetics, University of Leipzig Medical Center
Classification: Pathogenic for Breast carcinoma. Last evaluated: 2022-10-24. Review status: criteria provided, single submitter. Criteria: ACMG Guidelines, 2015. Collection method: clinical testing. Allele origin: unknown. Affected: yes. Not counted in ClinVar's aggregate classification.
Comment: _x000D_ Criteria applied: PS3, PS4, PM5_STR, PP3

MGZ Medical Genetics Center
Classification: Pathogenic for Breast-ovarian cancer, familial, susceptibility to, 1. Last evaluated: 2022-05-13. Review status: criteria provided, single submitter. Criteria: ACMG Guidelines, 2015. Collection method: clinical testing. Allele origin: germline. Affected: yes. Observed: 5 variant alleles. Not counted in ClinVar's aggregate classification.
Comment: ACMG criteria applied: PS3, PS4, PM1, PM5, PP1, PP3

Sema4
Classification: Pathogenic for Hereditary cancer-predisposing syndrome. Last evaluated: 2021-12-10. Review status: criteria provided, single submitter. Criteria: Sema4 Curation Guidelines. Collection method: curation. Allele origin: germline. Not counted in ClinVar's aggregate classification.
Comment: The BRCA1 c.181T>G (p.C61G) variant has been reported in heterozygosity in numerous individuals with hereditary breast and/or ovarian cancer (PMID: 10788334, 20569256, 20345474, 20507347). Functional studies have shown that this variant disrupts BRCA1 function, including DNA repair, ubiquitin ligase activity, and BARD1 binding (PMID: 11278247, 20103620). This variant is a founder variant in Eastern European populations (PMID: 10788334, 20569256, 20345474). It was observed in 7/113480 chromosomes of the Non-Finnish European subpopulation in the large and broad cohorts of the Genome Aggregation Database (PMID: 32461654). This variant has been reported in ClinVar (Variation ID: 17661). In silico tools suggest the impact of the variant on protein function is deleterious. Based on the current evidence available, this variant is interpreted as pathogenic.

National Health Laboratory Service, Universitas Academic Hospital and University of the Free State
Classification: Pathogenic for Hereditary breast ovarian cancer syndrome. Last evaluated: 2021-11-16. Review status: criteria provided, single submitter. Criteria: ACMG Guidelines, 2015. Collection method: clinical testing. Allele origin: germline. Affected: yes. Observed: 2 variant alleles. Not counted in ClinVar's aggregate classification.

Institute for Clinical Genetics, University Hospital TU Dresden, University Hospital TU Dresden
Classification: Pathogenic. Last evaluated: 2021-11-03. Review status: criteria provided, single submitter. Criteria: ACMG Guidelines, 2015. Collection method: clinical testing. Allele origin: germline. Not counted in ClinVar's aggregate classification.

Institute of Medical Genetics and Applied Genomics, University Hospital Tübingen
Classification: Pathogenic. Last evaluated: 2020-10-23. Review status: criteria provided, single submitter. Criteria: ACMG Guidelines, 2015. Collection method: clinical testing. Allele origin: germline. Inheritance: Unknown mechanism. Affected: yes. Not counted in ClinVar's aggregate classification.

Department of Molecular Diagnostics, Institute of Oncology Ljubljana
Classification: Pathogenic for Breast-ovarian cancer, familial, susceptibility to, 1. Last evaluated: 2020-04-02. Review status: criteria provided, single submitter. Criteria: ACMG Guidelines, 2015. Collection method: clinical testing. Allele origin: germline. Affected: yes. Not counted in ClinVar's aggregate classification.